The following is an entry in ClinVar:

ClinVar aggregate classification (germline): Uncertain significance. Review status: criteria provided, multiple submitters, no conflicts (2 of 4 stars). 3 submissions from 3 submitters: Uncertain significance (2). 1 of the submissions does not count toward it. Last evaluated 2025-12-13.

Conditions:
Epidermolysis bullosa dystrophica. Also called: Dystrophic epidermolysis bullosa, Hallopeau-Siemens type (formerly); Dystrophic epidermolysis bullosa. Identifiers: Orphanet 303, MedGen C0079294, MONDO:0006543.

Allele frequency attached by ClinVar (database versions not stated): TOPMed 0.00003; ExAC 0.00004; gnomAD 0.00004 and 0.00006; gnomAD exomes 0.00006.
gnomAD v4.1: 92 of 1,612,680 alleles (0.0057%); highest among the groups gnomAD compares: South Asian, 0.044%; no homozygotes.

Submissions (3):

Labcorp Genetics (formerly Invitae), Labcorp
Classification: Uncertain significance. Last evaluated: 2025-12-13. Review status: criteria provided, single submitter. Criteria: Invitae Variant Classification Sherloc (09022015). Collection method: clinical testing. Allele origin: germline.
Comment: This sequence change replaces proline, which is neutral and non-polar, with serine, which is neutral and polar, at codon 2350 of the COL7A1 protein (p.Pro2350Ser). This variant is present in population databases (rs749870307, gnomAD 0.04%). This variant has not been reported in the literature in individuals affected with COL7A1-related conditions. ClinVar contains an entry for this variant (Variation ID: 345814). Invitae Evidence Modeling of protein sequence and biophysical properties (such as structural, functional, and spatial information, amino acid conservation, physicochemical variation, residue mobility, and thermodynamic stability) has been performed for this missense variant. However, the output from this modeling did not meet the statistical confidence thresholds required to predict the impact of this variant on COL7A1 protein function. In summary, the available evidence is currently insufficient to determine the role of this variant in disease. Therefore, it has been classified as a Variant of Uncertain Significance.

Illumina Laboratory Services, Illumina
Classification: Uncertain significance for Dystrophic epidermolysis bullosa. Last evaluated: 2018-01-12. Review status: criteria provided, single submitter. Criteria: ICSL Variant Classification Criteria 13 December 2019. Collection method: clinical testing. Allele origin: germline.

Natera, Inc.
Classification: Uncertain significance for Dystrophic epidermolysis bullosa. Last evaluated: 2020-07-02. Review status: no assertion criteria provided. Collection method: clinical testing. Allele origin: germline. Not counted in ClinVar's aggregate classification.

NM_000094.4(COL7A1):c.7048C>T (p.Pro2350Ser)

Gene: COL7A1 (collagen type VII alpha 1 chain; minus strand). Cytogenetic location: 3p21.31.
Variant type: single nucleotide variant.
Coding change: c.7048C>T on transcript NM_000094.4 (MANE Select); coding-DNA position 7048, C replaced by T.
Protein change: p.Pro2350Ser; replaces proline 2350 with serine.
Molecular consequence: missense variant.
Genome position (GRCh38, 1-based): chr3:48,572,021, G>A on the plus strand (C>T on the coding strand, the complement: COL7A1 is on the minus strand). VCF-style: chr3-48572021-G-A. GRCh37 (hg19) VCF-style: chr3-48609454-G-A.
Other names: short protein forms P2350S.
Identifiers: ClinVar variation 345814 (VCV000345814.12), dbSNP rs749870307, ClinGen allele CA2378704.